The following is an entry in ClinVar:

NM_014855.3(AP5Z1):c.1057C>G (p.Leu353Val)

Gene: AP5Z1 (adaptor related protein complex 5 subunit zeta 1; plus strand). Cytogenetic location: 7p22.1.
Variant type: single nucleotide variant.
Coding change: c.1057C>G on transcript NM_014855.3 (MANE Select); coding-DNA position 1057, C replaced by G.
Protein change: p.Leu353Val; replaces leucine 353 with valine.
Molecular consequence: missense variant. On other transcripts: non-coding transcript variant (1).
Genome position (GRCh38, 1-based): chr7:4,785,609, C>G. VCF-style: chr7-4785609-C-G. GRCh37 (hg19) VCF-style: chr7-4825240-C-G.
Other names: c.589C>G, p.Leu197Val (NM_001364858.1); short protein forms L197V, L353V.
Identifiers: ClinVar variation 1315536 (VCV001315536.2), dbSNP rs1258180928, ClinGen allele CA366661349.

ClinVar aggregate classification (germline): Uncertain significance (1 of 4 stars; one submission).

Allele frequency attached by ClinVar (database versions not stated): gnomAD 0.00001; gnomAD exomes 0.00001; TOPMed 0.00002.
gnomAD v4.1: 16 of 1,590,512 alleles (0.001%); highest among the groups gnomAD compares: Non-Finnish European, 0.0014%; no homozygotes.

Submission:

GeneDx
Classification: Uncertain significance. Last evaluated: 2021-10-20. Review status: criteria provided, single submitter. Criteria: GeneDx Variant Classification Process June 2021. Collection method: clinical testing. Allele origin: germline. Affected: yes.
Comment: Not observed at a significant frequency in large population cohorts (Lek et al., 2016); In silico analysis supports that this missense variant does not alter protein structure/function; Has not been previously published as pathogenic or benign to our knowledge